The following is an entry in ClinVar:

NM_018341.3(ERMARD):c.1853+307T>C

Gene: ERMARD (ER membrane associated RNA degradation; plus strand). Cytogenetic location: 6q27.
Variant type: single nucleotide variant.
Coding change: c.1853+307T>C on transcript NM_018341.3 (MANE Select); 307 bases into the intron after coding-DNA position 1853, T replaced by C.
Molecular consequence: intron variant.
Genome position (GRCh38, 1-based): chr6:169,779,602, T>C. VCF-style: chr6-169779602-T-C. GRCh37 (hg19) VCF-style: chr6-170179698-T-C.
Other names: c.1712+307T>C (NM_001278531.2); c.1634+307T>C (NM_001278533.2); c.1475+307T>C (NM_001278532.2).
Identifiers: ClinVar variation 668134 (VCV000668134.1), dbSNP rs6918960, ClinGen allele CA12418846.

ClinVar aggregate classification (germline): Benign (1 of 4 stars; one submission).

Allele frequency attached by ClinVar (database versions not stated): gnomAD 0.58548 and 0.59042; TOPMed 0.62345; 1000 Genomes Project 0.74940; 1000 Genomes Project 30x 0.75078.
gnomAD v4.1: 89,567 of 152,026 alleles (59%); highest among the groups gnomAD compares: East Asian, 98%; 29,741 homozygotes.

Submission:

GeneDx
Classification: Benign. Last evaluated: 2018-06-19. Review status: criteria provided, single submitter. Criteria: GeneDx Variant Classification (06012015). Collection method: clinical testing. Allele origin: germline. Affected: yes.
Comment: This variant is considered likely benign or benign based on one or more of the following criteria: it is a conservative change, it occurs at a poorly conserved position in the protein, it is predicted to be benign by multiple in silico algorithms, and/or has population frequency not consistent with disease.